The following is an entry in ClinVar:

ClinVar aggregate classification (germline): Uncertain significance (1 of 4 stars; one submission).

Conditions:
TWIST1-related craniosynostosis (CRS1). Also called: CRANIOSYNOSTOSIS 1. Identifiers: Orphanet 63440, MedGen C4551902, MONDO:0007399, OMIM 123100. Inheritance: Heterogenous inheritance pattern.

Submission:

Labcorp Genetics (formerly Invitae), Labcorp
Classification: Uncertain significance for TWIST1-related craniosynostosis. Last evaluated: 2021-03-01. Review status: criteria provided, single submitter. Criteria: Invitae Variant Classification Sherloc (09022015). Collection method: clinical testing. Allele origin: germline.
Comment: In summary, the available evidence is currently insufficient to determine the role of this variant in disease. Therefore, it has been classified as a Variant of Uncertain Significance. Algorithms developed to predict the effect of missense changes on protein structure and function are either unavailable or do not agree on the potential impact of this missense change (SIFT: "Deleterious"; PolyPhen-2: "Benign"; Align-GVGD: "Class C0"). This variant has been observed in one or more individuals who were not affected with ERF-related conditions (Invitae). This variant is not present in population databases (ExAC no frequency). This sequence change replaces alanine with proline at codon 178 of the ERF protein (p.Ala178Pro). The alanine residue is highly conserved and there is a small physicochemical difference between alanine and proline.

NM_006494.4(ERF):c.532G>C (p.Ala178Pro)

Gene: ERF (ETS2 repressor factor; minus strand). Cytogenetic location: 19q13.2.
Variant type: single nucleotide variant.
Coding change: c.532G>C on transcript NM_006494.4 (MANE Select); coding-DNA position 532, G replaced by C.
Protein change: p.Ala178Pro; replaces alanine 178 with proline.
Molecular consequence: missense variant.
Genome position (GRCh38, 1-based): chr19:42,249,580, C>G on the plus strand (G>C on the coding strand, the complement: ERF is on the minus strand). VCF-style: chr19-42249580-C-G. GRCh37 (hg19) VCF-style: chr19-42753732-C-G.
Other names: c.307G>C, p.Ala103Pro (NM_001301035.2, NM_001308402.2, NM_001312656.2); short protein forms A103P, A178P.
Identifiers: ClinVar variation 856235 (VCV000856235.9), dbSNP rs767011693, ClinGen allele CA406112900.